The following is an entry in ClinVar:

NM_032383.5(HPS3):c.1246-2A>T

Gene: HPS3 (HPS3 biogenesis of lysosomal organelles complex 2 subunit 1; plus strand). Cytogenetic location: 3q24.
Variant type: single nucleotide variant.
Coding change: c.1246-2A>T on transcript NM_032383.5 (MANE Select); the canonical splice acceptor site of the intron before coding-DNA position 1246, A replaced by T.
Molecular consequence: splice acceptor variant.
Genome position (GRCh38, 1-based): chr3:149,153,492, A>T. VCF-style: chr3-149153492-A-T. GRCh37 (hg19) VCF-style: chr3-148871279-A-T.
Other names: c.751-2A>T (NM_001308258.2).
Identifiers: ClinVar variation 963472 (VCV000963472.10), dbSNP rs1282659169, ClinGen allele CA354918791.
Genomic context (GRCh38, chr3:149,153,492, plus strand): 5'-TTTGAAGATTGAAGTGCATGTACCTTTATTTCTTGCTTAAATATGTGATTTTCCTTTACT[A>T]GGCTTGCCCACCTGTCAGTATGGATGTCTGTGCTTTAAGAATACAGCTTTTCATAGGCTT-3'

ClinVar aggregate classification (germline): Likely pathogenic. Review status: criteria provided, multiple submitters, no conflicts (2 of 4 stars). 3 submissions from 3 submitters: Likely pathogenic (3). Last evaluated 2024-05-24.

Conditions:
Hermansky-Pudlak syndrome 3 (HPS3). Identifiers: Orphanet 231512, Orphanet 79430, MedGen C3888001, MONDO:0013555, OMIM 614072.

Submissions (3):

Fulgent Genetics
Classification: Likely pathogenic for Hermansky-Pudlak syndrome 3. Last evaluated: 2024-05-24. Review status: criteria provided, single submitter. Criteria: ACMG Guidelines, 2015. Collection method: clinical testing. Allele origin: germline.

Labcorp Genetics (formerly Invitae), Labcorp
Classification: Likely pathogenic. Last evaluated: 2023-08-16. Review status: criteria provided, single submitter. Criteria: Invitae Variant Classification Sherloc (09022015). Collection method: clinical testing. Allele origin: germline.
Comment: In summary, the currently available evidence indicates that the variant is pathogenic, but additional data are needed to prove that conclusively. Therefore, this variant has been classified as Likely Pathogenic. Algorithms developed to predict the effect of sequence changes on RNA splicing suggest that this variant may disrupt the consensus splice site. ClinVar contains an entry for this variant (Variation ID: 963472). This variant has not been reported in the literature in individuals affected with HPS3-related conditions. This variant is not present in population databases (gnomAD no frequency). This sequence change affects an acceptor splice site in intron 6 of the HPS3 gene. It is expected to disrupt RNA splicing. Variants that disrupt the donor or acceptor splice site typically lead to a loss of protein function (PMID: 16199547), and loss-of-function variants in HPS3 are known to be pathogenic (PMID: 11590544).

Baylor Genetics
Classification: Likely pathogenic for Hermansky-Pudlak syndrome 3. Last evaluated: 2023-07-20. Review status: criteria provided, single submitter. Criteria: ACMG Guidelines, 2015. Collection method: clinical testing. Allele origin: unknown.

Literature cited by the submitters: PubMed 16199547 (cited by Labcorp Genetics (formerly Invitae), Labcorp); PubMed 11590544 (cited by Labcorp Genetics (formerly Invitae), Labcorp).